The following is an entry in ClinVar:

NM_176787.5(PIGN):c.1445A>G (p.His482Arg)

Gene: PIGN (phosphatidylinositol glycan anchor biosynthesis class N; minus strand). Cytogenetic location: 18q21.33.
Variant type: single nucleotide variant.
Coding change: c.1445A>G on transcript NM_176787.5 (MANE Select); coding-DNA position 1445, A replaced by G.
Protein change: p.His482Arg; replaces histidine 482 with arginine.
Molecular consequence: missense variant. On other transcripts: intron variant (1).
Genome position (GRCh38, 1-based): chr18:62,109,963, T>C on the plus strand (A>G on the coding strand, the complement: PIGN is on the minus strand). VCF-style: chr18-62109963-T-C. GRCh37 (hg19) VCF-style: chr18-59777196-T-C.
Other names: c.1445A>G, p.His482Arg (NM_001438905.1, NM_012327.6, NM_001438896.1 and 1 more transcripts); c.1173-2878A>G (NM_001438910.1); short protein forms H482R.
Identifiers: ClinVar variation 4086342 (VCV004086342.1).
Genomic context (GRCh38, chr18:62,109,963, plus strand): 5'-TGAATCAGCAGAAAAAATGCTACTAAAATGCCAATAGCTACAAAACTACAAGGCAGGAGA[T>C]GGCTTGGTTTCTGAAAAATCAAACAAAACATTGAAACACTTCCAAACCAATGGTAATTGA-3'
Protein context (NP_789744.1, residues 472-492): GVSKEVKKPS[His482Arg]LLPCSFVAIG

ClinVar aggregate classification (germline): Uncertain significance (1 of 4 stars; one submission).

Submission:

GeneDx
Classification: Uncertain significance. Last evaluated: 2025-03-22. Review status: criteria provided, single submitter. Criteria: GeneDx Variant Classification Process June 2021. Collection method: clinical testing. Allele origin: germline. Affected: yes.
Comment: Not observed at significant frequency in large population cohorts (gnomAD); In silico analysis indicates that this missense variant does not alter protein structure/function; Has not been previously published as pathogenic or benign to our knowledge